The following is an entry in ClinVar:

NM_006946.4(SPTBN2):c.1642G>A (p.Glu548Lys)

Gene: SPTBN2 (spectrin beta, non-erythrocytic 2; minus strand). Cytogenetic location: 11q13.2.
Variant type: single nucleotide variant.
Coding change: c.1642G>A on transcript NM_006946.4 (MANE Select); coding-DNA position 1642, G replaced by A.
Protein change: p.Glu548Lys; replaces glutamic acid 548 with lysine.
Molecular consequence: missense variant.
Genome position (GRCh38, 1-based): chr11:66,707,527, C>T on the plus strand (G>A on the coding strand, the complement: SPTBN2 is on the minus strand). VCF-style: chr11-66707527-C-T. GRCh37 (hg19) VCF-style: chr11-66474998-C-T.
Other names: c.1663G>A, p.Glu555Lys (NM_001411025.1); short protein forms E548K, E555K.
Identifiers: ClinVar variation 2571941 (VCV002571941.1), dbSNP rs1178242440, ClinGen allele CA381480153.

ClinVar aggregate classification (germline): Uncertain significance (1 of 4 stars; one submission).

Allele frequency attached by ClinVar (database versions not stated): gnomAD exomes below 0.00001.
gnomAD v4.1: 1 of 1,605,218 alleles (0.000062%); highest among the groups gnomAD compares: African/African-American, 0.0013%; no homozygotes.

Submission:

GeneDx
Classification: Uncertain significance. Last evaluated: 2023-01-09. Review status: criteria provided, single submitter. Criteria: GeneDx Variant Classification Process June 2021. Collection method: clinical testing. Allele origin: germline. Affected: yes.
Comment: Not observed at significant frequency in large population cohorts (gnomAD); In silico analysis supports that this missense variant has a deleterious effect on protein structure/function; Has not been previously published as pathogenic or benign to our knowledge